The following is an entry in ClinVar:

ClinVar aggregate classification (germline): Uncertain significance. Review status: criteria provided, multiple submitters, no conflicts (2 of 4 stars). 2 submissions from 2 submitters: Uncertain significance (2). Last evaluated 2026-07-11.

Conditions:
NRP2-related disorder. Also called: NRP2-related condition.

gnomAD v4.1: 18 of 1,614,112 alleles (0.0011%); highest among the groups gnomAD compares: African/African-American, 0.0067%; no homozygotes.

Submissions (2):

PreventionGenetics, part of Exact Sciences
Classification: Uncertain significance for NRP2-related condition. Last evaluated: 2026-07-11. Review status: criteria provided, single submitter. Criteria: ACMG Guidelines, 2015. Collection method: clinical testing. Allele origin: germline.
Comment: The NRP2 c.1700C>T variant is predicted to result in the amino acid substitution p.Pro567Leu. To our knowledge, this variant has not been reported in the literature. This variant is reported in 0.0028% of alleles in individuals of Latino descent in gnomAD. At this time, the clinical significance of this variant is uncertain due to the absence of conclusive functional and genetic evidence.

Ambry Genetics
Classification: Uncertain significance. Last evaluated: 2024-11-13. Review status: criteria provided, single submitter. Criteria: Ambry Variant Classification Scheme 2023. Collection method: clinical testing. Allele origin: germline.

NM_003872.3(NRP2):c.1700C>T (p.Pro567Leu)

Gene: NRP2 (neuropilin 2; plus strand). Cytogenetic location: 2q33.3.
Variant type: single nucleotide variant.
Coding change: c.1700C>T on transcript NM_003872.3 (MANE Select); coding-DNA position 1700, C replaced by T.
Protein change: p.Pro567Leu; replaces proline 567 with leucine.
Molecular consequence: missense variant.
Genome position (GRCh38, 1-based): chr2:205,745,804, C>T. VCF-style: chr2-205745804-C-T. GRCh37 (hg19) VCF-style: chr2-206610528-C-T.
Other names: c.1700C>T, p.Pro567Leu (NM_018534.4, NM_201266.2, NM_201267.2 and 1 more transcripts); short protein forms P567L.
Identifiers: ClinVar variation 3407886 (VCV003407886.2).
Genomic context (GRCh38, chr2:205,745,804, plus strand): 5'-AGCTGTTCGAAGGGAACATGCACTATGACACCCCTGACATCCGAAGGTTTGACCCCATTC[C>T]GGCACAGTATGTGCGGGTATACCCGGAGAGGTGGTCGCCGGCGGGGATTGGGATGCGGCT-3'
Protein context (NP_003863.2, residues 557-577): TPDIRRFDPI[Pro567Leu]AQYVRVYPER